The following is an entry in ClinVar:

ClinVar aggregate classification (germline): Benign/Likely benign. Review status: criteria provided, multiple submitters, no conflicts (2 of 4 stars). 5 submissions from 5 submitters: Benign (1); Likely benign (3). 1 of the submissions does not count toward it. Last evaluated 2024-07-24.

Conditions:
BARD1-related disorder. Also called: BARD1-related condition.
Hereditary cancer-predisposing syndrome. Also called: Hereditary Cancer Syndrome; Hereditary neoplastic syndrome; Neoplastic Syndromes, Hereditary; Tumor predisposition. Identifiers: Orphanet 140162, MedGen C0027672, MeSH D009386, MONDO:0015356.
Familial cancer of breast. Also called: Hereditary breast cancer; BREAST CANCER, FAMILIAL; hereditary breast carcinoma. Identifiers: Orphanet 227535, MedGen C0346153, MONDO:0016419, OMIM 114480. Disease mechanism: loss of function.

gnomAD v4.1: 1 of 1,613,854 alleles (0.000062%); highest among the groups gnomAD compares: Non-Finnish European, 0.000085%; no homozygotes.

Submissions (5):

Myriad Genetics, Inc.
Classification: Benign for Familial cancer of breast. Last evaluated: 2024-07-24. Review status: criteria provided, single submitter. Criteria: Myriad Autosomal Dominant, Autosomal Recessive and X-Linked Classification Criteria (2023). Collection method: clinical testing. Allele origin: unknown.
Comment: This variant is considered benign. This variant is a silent/synonymous amino acid change and it is not expected to impact splicing.

Labcorp Genetics (formerly Invitae), Labcorp
Classification: Likely benign for Familial cancer of breast. Last evaluated: 2024-02-19. Review status: criteria provided, single submitter. Criteria: Invitae Variant Classification Sherloc (09022015). Collection method: clinical testing. Allele origin: germline.

Ambry Genetics
Classification: Likely benign for Hereditary cancer-predisposing syndrome. Last evaluated: 2019-08-12. Review status: criteria provided, single submitter. Criteria: Ambry Variant Classification Scheme 2023. Collection method: clinical testing. Allele origin: germline.

Color Diagnostics, LLC DBA Color Health
Classification: Likely benign for Hereditary cancer-predisposing syndrome. Last evaluated: 2017-03-03. Review status: criteria provided, single submitter. Criteria: ACMG Guidelines, 2015. Collection method: clinical testing. Allele origin: germline.

PreventionGenetics, part of Exact Sciences
Classification: Likely benign for BARD1-related condition. Last evaluated: 2022-12-12. Review status: no assertion criteria provided. Collection method: clinical testing. Allele origin: germline. Not counted in ClinVar's aggregate classification.
Comment: This variant is classified as likely benign based on ACMG/AMP sequence variant interpretation guidelines (Richards et al. 2015 PMID: 25741868, with internal and published modifications).

NM_000465.4(BARD1):c.1053G>T (p.Thr351=)

Gene: BARD1 (BRCA1 associated RING domain 1; minus strand). Cytogenetic location: 2q35.
Variant type: single nucleotide variant.
Coding change: c.1053G>T on transcript NM_000465.4 (MANE Select); coding-DNA position 1053, G replaced by T.
Protein change: p.Thr351=; no amino-acid change (threonine 351 retained).
Molecular consequence: synonymous variant. On other transcripts: non-coding transcript variant (2), intron variant (3).
Genome position (GRCh38, 1-based): chr2:214,780,821, C>A on the plus strand (G>T on the coding strand, the complement: BARD1 is on the minus strand). VCF-style: chr2-214780821-C-A. GRCh37 (hg19) VCF-style: chr2-215645545-C-A.
Other names: c.996G>T, p.Thr332= (NM_001282543.2); c.159-28266G>T (NM_001282548.2); c.215+16240G>T (NM_001282545.2); c.364+11476G>T (NM_001282549.2).
Identifiers: ClinVar variation 216436 (VCV000216436.18), dbSNP rs2070096, ClinGen allele CA335707.